The following is an entry in ClinVar:

NM_004984.4(KIF5A):c.2079T>C (p.Asp693=)

Gene: KIF5A (kinesin family member 5A; plus strand). Cytogenetic location: 12q13.3.
Variant type: single nucleotide variant.
Coding change: c.2079T>C on transcript NM_004984.4 (MANE Select); coding-DNA position 2079, T replaced by C.
Protein change: p.Asp693=; no amino-acid change (aspartic acid 693 retained).
Molecular consequence: synonymous variant.
Genome position (GRCh38, 1-based): chr12:57,576,142, T>C. VCF-style: chr12-57576142-T-C. GRCh37 (hg19) VCF-style: chr12-57969925-T-C.
Other names: p.Asp693=; c.1812T>C, p.Asp604= (NM_001354705.2); c.2079T>C (NM_004984.2).
Identifiers: ClinVar variation 1637568 (VCV001637568.11), dbSNP rs756599532, ClinGen allele CA480265415.

ClinVar aggregate classification (germline): Likely benign. Review status: criteria provided, multiple submitters, no conflicts (2 of 4 stars). 3 submissions from 3 submitters: Likely benign (2). 1 of the submissions does not count toward it. Last evaluated 2025-12-14.

Conditions:
KIF5A-related disorder. Also called: KIF5A-related condition; KIF5A-related disorders.
Spastic paraplegia. Identifiers: MedGen C0037772, HP:0001258.

Allele frequency attached by ClinVar (database versions not stated): TOPMed 0.00001.
gnomAD v4.1: 3 of 1,614,026 alleles (0.00019%); highest among the groups gnomAD compares: Non-Finnish European, 0.00017%; no homozygotes.

Submissions (3):

Mayo Clinic Laboratories, Mayo Clinic
Classification: Likely benign. Last evaluated: 2025-12-14. Review status: criteria provided, single submitter. Criteria: ACMG Guidelines, 2015. Collection method: clinical testing. Allele origin: germline. Observed: 1 variant allele.
Comment: BP4, BP7

Labcorp Genetics (formerly Invitae), Labcorp
Classification: Likely benign for Spastic paraplegia. Last evaluated: 2025-04-17. Review status: criteria provided, single submitter. Criteria: Invitae Variant Classification Sherloc (09022015). Collection method: clinical testing. Allele origin: germline.

PreventionGenetics, part of Exact Sciences
Classification: Likely benign for KIF5A-related condition. Last evaluated: 2022-01-17. Review status: no assertion criteria provided. Collection method: clinical testing. Allele origin: germline. Not counted in ClinVar's aggregate classification.
Comment: This variant is classified as likely benign based on ACMG/AMP sequence variant interpretation guidelines (Richards et al. 2015 PMID: 25741868, with internal and published modifications).

Literature cited by the submitters: PubMed 31571979 (cited by Mayo Clinic Laboratories, Mayo Clinic).